The following is an entry in ClinVar:

NM_003052.5(SLC34A1):c.1271C>T (p.Ser424Leu)

Gene: SLC34A1 (solute carrier family 34 member 1; plus strand). Cytogenetic location: 5q35.3.
Variant type: single nucleotide variant.
Coding change: c.1271C>T on transcript NM_003052.5 (MANE Select); coding-DNA position 1271, C replaced by T.
Protein change: p.Ser424Leu; replaces serine 424 with leucine.
Molecular consequence: missense variant.
Genome position (GRCh38, 1-based): chr5:177,396,829, C>T. VCF-style: chr5-177396829-C-T. GRCh37 (hg19) VCF-style: chr5-176823830-C-T.
Other names: short protein forms S424L.
Identifiers: ClinVar variation 2632871 (VCV002632871.4), dbSNP rs769119398, ClinGen allele CA3580718.
Genomic context (GRCh38, chr5:177,396,829, plus strand): 5'-TTGCCATGGTGGTGGGCGCCAGCATGACCTTCGTGGTCCAGAGCAGTTCTGTGTTCACCT[C>T]GGCCATCACCCCACTCATCGGTGAGTGCCCATGTAGAGGTGGAGTGGGGTGGGCCAGGGC-3'
Protein context (NP_003043.3, residues 414-434): FVVQSSSVFT[Ser424Leu]AITPLIGLGV

ClinVar aggregate classification (germline): Uncertain significance. Review status: criteria provided, multiple submitters, no conflicts (2 of 4 stars). 4 submissions from 4 submitters: Uncertain significance (4). Last evaluated 2026-01-29.

Conditions:
Hypophosphatemic nephrolithiasis/osteoporosis 1. Identifiers: Orphanet 244305, MedGen C2676786, MONDO:0012850, OMIM 612286.
Fanconi renotubular syndrome 2 (FRTS2). Identifiers: MedGen C3150652, MONDO:0013247, OMIM 613388.
Hypercalcemia, infantile, 2 (HCINF2). Identifiers: Orphanet 300547, MedGen C4310473, MONDO:0014851, OMIM 616963.
SLC34A1-related disorder. Also called: SLC34A1-related condition; SLC34A1-related disorders.

Allele frequency attached by ClinVar (database versions not stated): ExAC 0.00001; gnomAD 0.00001; TOPMed 0.00002.
gnomAD v4.1: 7 of 1,614,130 alleles (0.00043%); highest among the groups gnomAD compares: African/African-American, 0.0027%; no homozygotes.

Submissions (4):

3billion
Classification: Uncertain significance for SLC34A1-related disorder. Last evaluated: 2026-01-29. Review status: criteria provided, single submitter. Criteria: ACMG Guidelines, 2015. Collection method: clinical testing. Allele origin: germline. Affected: yes.
Comment: The variant is observed at an extremely low frequency in the gnomAD v4.1.0 dataset (total allele frequency: <0.001%). Predicted Consequence/Location: Missense variant In silico tool predictions suggest damaging effect of the variant on gene or gene product [REVEL: 0.84 (>=0.6, sensitivity 0.68 and specificity 0.92)]. The variant has been reported as of uncertain significance (ClinVar ID: VCV002632871). Therefore, this variant is classified as VUS according to the recommendation of ACMG/AMP guideline.

Blueprint Genetics
Classification: Uncertain significance. Last evaluated: 2024-09-12. Review status: criteria provided, single submitter. Criteria: ACMG Guidelines, 2015. Collection method: clinical testing. Allele origin: germline.

Fulgent Genetics
Classification: Uncertain significance for Hypophosphatemic nephrolithiasis/osteoporosis 1; Fanconi renotubular syndrome 2; Hypercalcemia, infantile, 2. Last evaluated: 2024-03-08. Review status: criteria provided, single submitter. Criteria: ACMG Guidelines, 2015. Collection method: clinical testing. Allele origin: germline.

PreventionGenetics, part of Exact Sciences
Classification: Uncertain significance for SLC34A1-related condition. Last evaluated: 2023-05-11. Review status: criteria provided, single submitter. Criteria: ACMG Guidelines, 2015. Collection method: clinical testing. Allele origin: germline.
Comment: The SLC34A1 c.1271C>T variant is predicted to result in the amino acid substitution p.Ser424Leu. To our knowledge, this variant has not been reported in the literature. This variant is reported in 0.0080% of alleles in individuals of African descent in gnomAD. At this time, the clinical significance of this variant is uncertain due to the absence of conclusive functional and genetic evidence.